The following is an entry in ClinVar:

ClinVar aggregate classification (germline): Uncertain significance (1 of 4 stars; one submission).

Conditions:
Familial thoracic aortic aneurysm and aortic dissection (TAAD). Also called: Thoracic aortic aneurysms and dissections. Identifiers: Orphanet 91387, MedGen C4707243, MONDO:0019625.

Submission:

Color Diagnostics, LLC DBA Color Health
Classification: Uncertain significance for Familial thoracic aortic aneurysm and aortic dissection. Last evaluated: 2023-12-05. Review status: criteria provided, single submitter. Criteria: ACMG Guidelines, 2015. Collection method: clinical testing. Allele origin: germline.
Comment: Variant of Uncertain Significance due to insufficient evidence: This missense variant is located in the calcium-binding EGF-like motif 35 of the FBN1 protein. Computational prediction tools and conservation analyses suggest that this variant may have deleterious impact on the protein function. Computational splicing tools suggest that this variant may not impact RNA splicing. To our knowledge, functional assays have not been performed for this variant nor has this variant been reported in individuals affected with cardiovascular disorders in the literature. This variant is rare in the general population and has been identified in 0/277264 chromosomes by the Genome Aggregation Database (gnomAD). Available evidence is insufficient to determine the pathogenicity of this variant conclusively.

NM_000138.5(FBN1):c.6139T>C (p.Ser2047Pro)

Gene: FBN1 (fibrillin 1; minus strand). Cytogenetic location: 15q21.1.
Variant type: single nucleotide variant.
Coding change: c.6139T>C on transcript NM_000138.5 (MANE Select); coding-DNA position 6139, T replaced by C.
Protein change: p.Ser2047Pro; replaces serine 2047 with proline.
Molecular consequence: missense variant.
Genome position (GRCh38, 1-based): chr15:48,441,745, A>G on the plus strand (T>C on the coding strand, the complement: FBN1 is on the minus strand). VCF-style: chr15-48441745-A-G. GRCh37 (hg19) VCF-style: chr15-48733942-A-G.
Other names: short protein forms S2047P.
Identifiers: ClinVar variation 924139 (VCV000924139.5), dbSNP rs2043116606, ClinGen allele CA392338032.